The following is an entry in ClinVar:

NM_153252.5(BRWD3):c.346C>T (p.Leu116=)

Gene: BRWD3 (bromodomain and WD repeat domain containing 3; minus strand). Cytogenetic location: Xq21.1.
Variant type: single nucleotide variant.
Coding change: c.346C>T on transcript NM_153252.5 (MANE Select); coding-DNA position 346, C replaced by T.
Protein change: p.Leu116=; no amino-acid change (leucine 116 retained).
Molecular consequence: synonymous variant.
Genome position (GRCh38, 1-based): chrX:80,791,938, G>A on the plus strand (C>T on the coding strand, the complement: BRWD3 is on the minus strand). VCF-style: chrX-80791938-G-A. GRCh37 (hg19) VCF-style: chrX-80047437-G-A.
Identifiers: ClinVar variation 3389924 (VCV003389924.14).

ClinVar aggregate classification (germline): Uncertain significance (1 of 4 stars; one submission).

Submission:

CeGaT Center for Human Genetics Tuebingen
Classification: Uncertain significance. Last evaluated: 2024-10-01. Review status: criteria provided, single submitter. Criteria: CeGaT Center For Human Genetics Tuebingen Variant Classification Criteria Version 2. Collection method: clinical testing. Allele origin: germline. Affected: yes. Observed: 1 variant allele.
Comment: BRWD3: PM2:Supporting, BP4